The following is an entry in ClinVar:

NM_000426.4(LAMA2):c.1858G>A (p.Val620Ile)

Gene: LAMA2 (laminin subunit alpha 2; plus strand). Cytogenetic location: 6q22.33.
Variant type: single nucleotide variant.
Coding change: c.1858G>A on transcript NM_000426.4 (MANE Select); coding-DNA position 1858, G replaced by A.
Protein change: p.Val620Ile; replaces valine 620 with isoleucine.
Molecular consequence: missense variant.
Genome position (GRCh38, 1-based): chr6:129,250,187, G>A. VCF-style: chr6-129250187-G-A. GRCh37 (hg19) VCF-style: chr6-129571332-G-A.
Other names: c.1858G>A, p.Val620Ile (NM_001079823.2); short protein forms V620I.
Identifiers: ClinVar variation 1346800 (VCV001346800.8), dbSNP rs2114276575, ClinGen allele CA365609625.

ClinVar aggregate classification (germline): Uncertain significance (1 of 4 stars; one submission).

Conditions:
LAMA2-related muscular dystrophy (LAMA2-RD). Also called: Laminin alpha 2-related dystrophy. Identifiers: MedGen C5679788, MONDO:0100228.

Submission:

Labcorp Genetics (formerly Invitae), Labcorp
Classification: Uncertain significance for LAMA2-related muscular dystrophy. Last evaluated: 2022-05-27. Review status: criteria provided, single submitter. Criteria: Invitae Variant Classification Sherloc (09022015). Collection method: clinical testing. Allele origin: germline.
Comment: This sequence change replaces valine, which is neutral and non-polar, with isoleucine, which is neutral and non-polar, at codon 620 of the LAMA2 protein (p.Val620Ile). This variant is not present in population databases (gnomAD no frequency). This variant has not been reported in the literature in individuals affected with LAMA2-related conditions. Advanced modeling of protein sequence and biophysical properties (such as structural, functional, and spatial information, amino acid conservation, physicochemical variation, residue mobility, and thermodynamic stability) performed at Invitae indicates that this missense variant is not expected to disrupt LAMA2 protein function. In summary, the available evidence is currently insufficient to determine the role of this variant in disease. Therefore, it has been classified as a Variant of Uncertain Significance.